The following is an entry in ClinVar:

NM_000321.3(RB1):c.544T>G (p.Ser182Ala)

Gene: RB1 (RB transcriptional corepressor 1; plus strand). Cytogenetic location: 13q14.2.
Variant type: single nucleotide variant.
Coding change: c.544T>G on transcript NM_000321.3 (MANE Select); coding-DNA position 544, T replaced by G.
Protein change: p.Ser182Ala; replaces serine 182 with alanine.
Molecular consequence: missense variant.
Genome position (GRCh38, 1-based): chr13:48,348,960, T>G. VCF-style: chr13-48348960-T-G. GRCh37 (hg19) VCF-style: chr13-48923096-T-G.
Other names: c.544T>G, p.Ser182Ala (NM_001407165.1, NM_001407166.1); short protein forms S182A.
Identifiers: ClinVar variation 2826160 (VCV002826160.3), dbSNP rs2542165714, ClinGen allele CA388156885.

ClinVar aggregate classification (germline): Uncertain significance (1 of 4 stars; one submission).

Conditions:
Retinoblastoma (RB1). Also called: RETINOBLASTOMA, SOMATIC. Identifiers: Orphanet 790, MedGen C0035335, MeSH D012175, MONDO:0008380, OMIM 180200, HP:0009919. Disease mechanism: loss of function. Inheritance: Both sporadic and heritable forms are tested..

Submission:

Labcorp Genetics (formerly Invitae), Labcorp
Classification: Uncertain significance for Retinoblastoma. Last evaluated: 2024-03-25. Review status: criteria provided, single submitter. Criteria: Invitae Variant Classification Sherloc (09022015). Collection method: clinical testing. Allele origin: germline.
Comment: This sequence change replaces serine, which is neutral and polar, with alanine, which is neutral and non-polar, at codon 182 of the RB1 protein (p.Ser182Ala). This variant is not present in population databases (gnomAD no frequency). This variant has not been reported in the literature in individuals affected with RB1-related conditions. Advanced modeling of protein sequence and biophysical properties (such as structural, functional, and spatial information, amino acid conservation, physicochemical variation, residue mobility, and thermodynamic stability) performed at Invitae indicates that this missense variant is not expected to disrupt RB1 protein function with a negative predictive value of 80%. In summary, the available evidence is currently insufficient to determine the role of this variant in disease. Therefore, it has been classified as a Variant of Uncertain Significance.